The following is an entry in ClinVar:

NM_206933.4(USH2A):c.13592C>A (p.Ala4531Glu)

Gene: USH2A (usherin; minus strand). Cytogenetic location: 1q41.
Variant type: single nucleotide variant.
Coding change: c.13592C>A on transcript NM_206933.4 (MANE Select); coding-DNA position 13592, C replaced by A.
Protein change: p.Ala4531Glu; replaces alanine 4531 with glutamic acid.
Molecular consequence: missense variant.
Genome position (GRCh38, 1-based): chr1:215,674,319, G>T on the plus strand (C>A on the coding strand, the complement: USH2A is on the minus strand). VCF-style: chr1-215674319-G-T. GRCh37 (hg19) VCF-style: chr1-215847661-G-T.
Other names: short protein forms A4531E.
Identifiers: ClinVar variation 970517 (VCV000970517.4), dbSNP rs748763603, ClinGen allele CA1393259.

ClinVar aggregate classification (germline): Uncertain significance (1 of 4 stars; one submission).

Allele frequency attached by ClinVar (database versions not stated): gnomAD exomes 0.00001; ExAC 0.00001.
gnomAD v4.1: 8 of 1,613,968 alleles (0.0005%); highest among the groups gnomAD compares: Non-Finnish European, 0.00068%; no homozygotes.

Submission:

Labcorp Genetics (formerly Invitae), Labcorp
Classification: Uncertain significance. Last evaluated: 2021-10-18. Review status: criteria provided, single submitter. Criteria: Invitae Variant Classification Sherloc (09022015). Collection method: clinical testing. Allele origin: germline.
Comment: This sequence change replaces alanine with glutamic acid at codon 4531 of the USH2A protein (p.Ala4531Glu). The alanine residue is highly conserved and there is a moderate physicochemical difference between alanine and glutamic acid. This variant is present in population databases (rs748763603, ExAC 0.001%). This variant has not been reported in the literature in individuals affected with USH2A-related conditions. Algorithms developed to predict the effect of missense changes on protein structure and function (SIFT, PolyPhen-2, Align-GVGD) all suggest that this variant is likely to be disruptive. In summary, the available evidence is currently insufficient to determine the role of this variant in disease. Therefore, it has been classified as a Variant of Uncertain Significance.